The following is an entry in ClinVar:

NM_005762.3(TRIM28):c.161G>T (p.Gly54Val)

Genes: TRIM28 (tripartite motif containing 28; plus strand), LOC130065239 (ATAC-STARR-seq lymphoblastoid silent region 11093; plus strand). Cytogenetic location: 19q13.43.
Variant type: single nucleotide variant.
Coding change: c.161G>T on transcript NM_005762.3 (MANE Select); coding-DNA position 161, G replaced by T.
Protein change: p.Gly54Val; replaces glycine 54 with valine.
Molecular consequence: missense variant.
Genome position (GRCh38, 1-based): chr19:58,544,918, G>T. VCF-style: chr19-58544918-G-T. GRCh37 (hg19) VCF-style: chr19-59056285-G-T.
Other names: short protein forms G54V.
Identifiers: ClinVar variation 2444895 (VCV002444895.1), dbSNP rs1177628234, ClinGen allele CA407902780.

ClinVar aggregate classification (germline): Uncertain significance (1 of 4 stars; one submission).

Conditions:
Wilms tumor 1 (WT1). Also called: Wilms tumor, somatic. Identifiers: Orphanet 654, MedGen CN033288, MONDO:0008679, OMIM 194070.

Allele frequency attached by ClinVar (database versions not stated): TOPMed below 0.00001.
gnomAD v4.1: 23 of 1,405,298 alleles (0.0016%); highest among the groups gnomAD compares: Non-Finnish European, 0.002%; no homozygotes.

Submission:

St. Jude Molecular Pathology, St. Jude Children's Research Hospital
Classification: Uncertain significance for Wilms tumor 1. Last evaluated: 2022-11-03. Review status: criteria provided, single submitter. Criteria: St. Jude Assertion Criteria 2020. Collection method: clinical testing. Allele origin: germline.
Comment: The TRIM28 c.161G>T (p.Gly54Val) missense change has a maximum subpopulation frequency of 0.0071% in gnomAD v2.1.1. The in silico tool REVEL predicts a benign effect on protein function, but to our knowledge this prediction has not been confirmed by functional studies. To our knowledge, this variant has not been reported in individuals with a personal or family history of Wilms tumor. In summary, the evidence currently available is insufficient to determine the clinical significance of this variant. It has therefore been classified as of uncertain significance.